The following is an entry in ClinVar:

ClinVar aggregate classification (germline): Likely benign. Review status: criteria provided, multiple submitters, no conflicts (2 of 4 stars). 2 submissions from 2 submitters: Likely benign (2). Last evaluated 2025-11-03.

gnomAD v4.1: 126 of 1,613,602 alleles (0.0078%); highest among the groups gnomAD compares: Admixed American, 0.012%; no homozygotes.

Submissions (2):

Labcorp Genetics (formerly Invitae), Labcorp
Classification: Likely benign. Last evaluated: 2025-11-03. Review status: criteria provided, single submitter. Criteria: Invitae Variant Classification Sherloc (09022015). Collection method: clinical testing. Allele origin: germline.

Mayo Clinic Laboratories, Mayo Clinic
Classification: Likely benign. Last evaluated: 2025-08-25. Review status: criteria provided, single submitter. Criteria: ACMG Guidelines, 2015. Collection method: clinical testing. Allele origin: germline. Observed: 1 variant allele.
Comment: BP4, BP7

NM_000064.4(C3):c.600-6T>C

Gene: C3 (complement C3; minus strand). Cytogenetic location: 19p13.3.
Variant type: single nucleotide variant.
Coding change: c.600-6T>C on transcript NM_000064.4 (MANE Select); 6 bases into the intron before coding-DNA position 600, T replaced by C.
Molecular consequence: intron variant.
Genome position (GRCh38, 1-based): chr19:6,714,254, A>G on the plus strand (T>C on the coding strand, the complement: C3 is on the minus strand). VCF-style: chr19-6714254-A-G. GRCh37 (hg19) VCF-style: chr19-6714265-A-G.
Other names: p.?.
Identifiers: ClinVar variation 3610413 (VCV003610413.3).